The following is an entry in ClinVar:

ClinVar aggregate classification (germline): Benign/Likely benign. Review status: criteria provided, multiple submitters, no conflicts (2 of 4 stars). 4 submissions from 4 submitters: Benign (2); Likely benign (2). Last evaluated 2026-04-01.

Allele frequency attached by ClinVar (database versions not stated): gnomAD exomes 0.00017 and 0.00019; ExAC 0.00023; ESP Exome Variant Server 0.00024; gnomAD 0.00053 and 0.00062; 1000 Genomes Project 0.00060; TOPMed 0.00077; 1000 Genomes Project 30x 0.00078.
gnomAD v4.1: 378 of 1,610,944 alleles (0.023%); highest among the groups gnomAD compares: Middle Eastern, 0.66%; 6 homozygotes.

Submissions (4):

CeGaT Center for Human Genetics Tuebingen
Classification: Likely benign. Last evaluated: 2026-04-01. Review status: criteria provided, single submitter. Criteria: CeGaT Center For Human Genetics Tuebingen Variant Classification Criteria Version 2. Collection method: clinical testing. Allele origin: germline. Affected: yes. Observed: 8 variant alleles.
Comment: KMT2B: BP4, BP7

Labcorp Genetics (formerly Invitae), Labcorp
Classification: Benign. Last evaluated: 2026-01-12. Review status: criteria provided, single submitter. Criteria: Invitae Variant Classification Sherloc (09022015). Collection method: clinical testing. Allele origin: germline.

Blueprint Genetics
Classification: Likely benign. Last evaluated: 2024-11-12. Review status: criteria provided, single submitter. Criteria: ACMG Guidelines, 2015. Collection method: clinical testing. Allele origin: germline.

Breakthrough Genomics
Classification: Benign. Review status: criteria provided, single submitter. Criteria: ACMG Guidelines, 2015. Collection method: not provided. Allele origin: germline. Inheritance: Autosomal dominant inheritance. Affected: yes.

NM_014727.3(KMT2B):c.3711G>A (p.Leu1237=)

Gene: KMT2B (lysine methyltransferase 2B; plus strand). Cytogenetic location: 19q13.12.
Variant type: single nucleotide variant.
Coding change: c.3711G>A on transcript NM_014727.3 (MANE Select); coding-DNA position 3711, G replaced by A.
Protein change: p.Leu1237=; no amino-acid change (leucine 1237 retained).
Molecular consequence: synonymous variant.
Genome position (GRCh38, 1-based): chr19:35,725,547, G>A. VCF-style: chr19-35725547-G-A. GRCh37 (hg19) VCF-style: chr19-36216448-G-A.
Identifiers: ClinVar variation 1649164 (VCV001649164.33), dbSNP rs111726564, ClinGen allele CA9384842.